The following is an entry in ClinVar:

NM_000465.4(BARD1):c.1205C>G (p.Ser402Ter)

Gene: BARD1 (BRCA1 associated RING domain 1; minus strand). Cytogenetic location: 2q35.
Variant type: single nucleotide variant.
Coding change: c.1205C>G on transcript NM_000465.4 (MANE Select); coding-DNA position 1205, C replaced by G.
Protein change: p.Ser402Ter; replaces serine 402 with a stop codon.
Molecular consequence: nonsense. On other transcripts: non-coding transcript variant (2), intron variant (3).
Genome position (GRCh38, 1-based): chr2:214,780,669, G>C on the plus strand (C>G on the coding strand, the complement: BARD1 is on the minus strand). VCF-style: chr2-214780669-G-C. GRCh37 (hg19) VCF-style: chr2-215645393-G-C.
Other names: c.1148C>G, p.Ser383Ter (NM_001282543.2); c.159-28114C>G (NM_001282548.2); c.215+16392C>G (NM_001282545.2); c.364+11628C>G (NM_001282549.2); short protein forms S402*, S383*.
Identifiers: ClinVar variation 379884 (VCV000379884.21), dbSNP rs796666047, ClinGen allele CA16604101.
Genomic context (GRCh38, chr2:214,780,669, plus strand): 5'-ACAGCCATATTGGGCAACAGCTTCATTGCTGAGGGACTAGACATCACTCGCCTGTAACTT[G>C]AACTACTTAATGTAGAAGGTGGTGTACCTGGTGAAAGACTAATGAATTCATCGGACATGT-3'

ClinVar aggregate classification (germline): Pathogenic/Likely pathogenic. Review status: criteria provided, multiple submitters, no conflicts (2 of 4 stars). 7 submissions from 7 submitters: Pathogenic (4); Likely pathogenic (3). Last evaluated 2026-01-01.

Conditions:
Hereditary cancer-predisposing syndrome. Also called: Tumor predisposition; Neoplastic Syndromes, Hereditary; Hereditary neoplastic syndrome; Hereditary Cancer Syndrome. Identifiers: Orphanet 140162, MedGen C0027672, MeSH D009386, MONDO:0015356.
BARD1-related disorder. Also called: BARD1-related condition.
Familial cancer of breast. Also called: BREAST CANCER, FAMILIAL; Hereditary breast cancer; hereditary breast carcinoma. Identifiers: Orphanet 227535, MedGen C0346153, MONDO:0016419, OMIM 114480. Disease mechanism: loss of function.

Allele frequency attached by ClinVar (database versions not stated): gnomAD 0.00001.

Submissions (7):

Labcorp Genetics (formerly Invitae), Labcorp
Classification: Pathogenic for Familial cancer of breast. Last evaluated: 2026-01-01. Review status: criteria provided, single submitter. Criteria: Invitae Variant Classification Sherloc (09022015). Collection method: clinical testing. Allele origin: germline.
Comment: This sequence change creates a premature translational stop signal (p.Ser402*) in the BARD1 gene. It is expected to result in an absent or disrupted protein product. Loss-of-function variants in BARD1 are known to be pathogenic (PMID: 20077502, 21344236). This variant is present in population databases (no rsID available, gnomAD 0.007%). This variant has not been reported in the literature in individuals affected with BARD1-related conditions. ClinVar contains an entry for this variant (Variation ID: 379884). For these reasons, this variant has been classified as Pathogenic.

Blueprint Genetics
Classification: Likely pathogenic for BARD1-related disorders. Last evaluated: 2024-10-28. Review status: criteria provided, single submitter. Criteria: ACMG Guidelines, 2015. Collection method: clinical testing. Allele origin: germline. Affected: yes. Observed: 1 variant allele.

Color Diagnostics, LLC DBA Color Health
Classification: Pathogenic for Hereditary cancer-predisposing syndrome. Last evaluated: 2024-09-23. Review status: criteria provided, single submitter. Criteria: ACMG Guidelines, 2015. Collection method: clinical testing. Allele origin: germline.
Comment: This variant changes 1 nucleotide in exon 4 of the BARD1 gene, creating a premature translation stop signal. This variant is expected to result in an absent or non-functional protein product. To our knowledge, this variant has not been reported in individuals affected with hereditary cancer in the literature. This variant has been identified in 1/31402 chromosomes in the general population by the Genome Aggregation Database (gnomAD). Loss of BARD1 function is a known mechanism of disease. Based on the available evidence, this variant is classified as Pathogenic.

Myriad Genetics, Inc.
Classification: Pathogenic for Familial cancer of breast. Last evaluated: 2023-05-22. Review status: criteria provided, single submitter. Criteria: Myriad Autosomal Dominant, Autosomal Recessive and X-Linked Classification Criteria (2023). Collection method: clinical testing. Allele origin: unknown.
Comment: This variant is considered pathogenic. This variant creates a termination codon and is predicted to result in premature protein truncation.

Ambry Genetics
Classification: Pathogenic for Hereditary cancer-predisposing syndrome. Last evaluated: 2023-03-23. Review status: criteria provided, single submitter. Criteria: Ambry Variant Classification Scheme 2023. Collection method: clinical testing. Allele origin: germline.
Comment: The p.S402* pathogenic mutation (also known as c.1205C>G), located in coding exon 4 of the BARD1 gene, results from a C to G substitution at nucleotide position 1205. This changes the amino acid from a serine to a stop codon within coding exon 4. This alteration is expected to result in loss of function by premature protein truncation or nonsense-mediated mRNA decay. This variant is considered to be rare based on population cohorts in the Genome Aggregation Database (gnomAD). As such, this alteration is interpreted as a disease-causing mutation.

Sema4
Classification: Likely pathogenic for Hereditary cancer-predisposing syndrome. Last evaluated: 2021-11-25. Review status: criteria provided, single submitter. Criteria: Sema4 Curation Guidelines. Collection method: curation. Allele origin: germline.
Comment: To the best of our knowledge, the BARD1 c.1205C>G (p.S402X) variant has not been reported in individuals with BARD1-related disease. This nonsense variant creates a premature stop codon at residue 402 of the BARD1 protein. At this location, this is predicted to cause loss of normal protein function likely through nonsense-mediated mRNA decay or protein truncation. Loss of function variants in BARD1 are known to be pathogenic (PMID: 20077502, 21344236). This variant was observed in 1/31402 chromosomes iin the large and broad cohorts of the Genome Aggregation Database (PMID: 32461654). This variant has been reported in ClinVar (Variation ID: 379884). Based on the current evidence available, this variant is interpreted as likely pathogenic.

GeneDx
Classification: Likely pathogenic. Last evaluated: 2021-06-18. Review status: criteria provided, single submitter. Criteria: GeneDx Variant Classification Process June 2021. Collection method: clinical testing. Allele origin: germline. Affected: yes.
Comment: Nonsense variant predicted to result in protein truncation or nonsense mediated decay in a gene for which loss-of-function is a known mechanism of disease; Not observed at significant frequency in large population cohorts (Lek 2016); Reported in ClinVar as pathogenic but additional evidence is not available (ClinVar VCV000379884.4; Cimmino 2017, Landrum 2016); This variant is associated with the following publications: (PMID: 29292755, 27535533)

Literature cited by the submitters: PubMed 20077502 (cited by Labcorp Genetics (formerly Invitae), Labcorp and Sema4); PubMed 21344236 (cited by Labcorp Genetics (formerly Invitae), Labcorp and Sema4).